The following is an entry in ClinVar:

ClinVar aggregate classification (germline): Uncertain significance. Review status: criteria provided, multiple submitters, no conflicts (2 of 4 stars). 3 submissions from 3 submitters: Uncertain significance (3). Last evaluated 2024-02-12.

Conditions:
Inborn genetic diseases. Identifiers: MedGen C0950123, MeSH D030342.

Allele frequency attached by ClinVar (database versions not stated): gnomAD exomes below 0.00001 and 0.00001; TOPMed 0.00001; ExAC 0.00002.
gnomAD v4.1: 9 of 1,614,144 alleles (0.00056%); highest among the groups gnomAD compares: Middle Eastern, 0.016%; no homozygotes.

Submissions (3):

Ambry Genetics
Classification: Uncertain significance for Inborn genetic diseases. Last evaluated: 2024-02-12. Review status: criteria provided, single submitter. Criteria: Ambry Variant Classification Scheme 2023. Collection method: clinical testing. Allele origin: germline.

Blueprint Genetics
Classification: Uncertain significance. Last evaluated: 2023-12-29. Review status: criteria provided, single submitter. Criteria: ACMG Guidelines, 2015. Collection method: clinical testing. Allele origin: germline.

Labcorp Genetics (formerly Invitae), Labcorp
Classification: Uncertain significance. Last evaluated: 2022-10-20. Review status: criteria provided, single submitter. Criteria: Invitae Variant Classification Sherloc (09022015). Collection method: clinical testing. Allele origin: germline.
Comment: In summary, the available evidence is currently insufficient to determine the role of this variant in disease. Therefore, it has been classified as a Variant of Uncertain Significance. Algorithms developed to predict the effect of missense changes on protein structure and function (SIFT, PolyPhen-2, Align-GVGD) all suggest that this variant is likely to be tolerated. ClinVar contains an entry for this variant (Variation ID: 1503668). This missense change has been observed in individual(s) with clinical features of retinitis pigmentosa (Invitae). This variant is present in population databases (rs774378003, gnomAD 0.0009%). This sequence change replaces histidine, which is basic and polar, with tyrosine, which is neutral and polar, at codon 1151 of the RP1 protein (p.His1151Tyr).

NM_006269.2(RP1):c.3451C>T (p.His1151Tyr)

Gene: RP1 (RP1 axonemal microtubule associated; plus strand). Cytogenetic location: 8q12.1.
Variant type: single nucleotide variant.
Coding change: c.3451C>T on transcript NM_006269.2 (MANE Select); coding-DNA position 3451, C replaced by T.
Protein change: p.His1151Tyr; replaces histidine 1151 with tyrosine.
Molecular consequence: missense variant. On other transcripts: intron variant (1).
Genome position (GRCh38, 1-based): chr8:54,627,333, C>T. VCF-style: chr8-54627333-C-T. GRCh37 (hg19) VCF-style: chr8-55539893-C-T.
Other names: c.3451C>T (NM_006269.1); c.787+5045C>T (NM_001375654.1); short protein forms H1151Y.
Identifiers: ClinVar variation 1503668 (VCV001503668.6), dbSNP rs774378003, ClinGen allele CA4751689.
Genomic context (GRCh38, chr8:54,627,333, plus strand): 5'-GCTTGGCTCTTGGTGCTAAACCTAAAGGGAAGTATGAATAGCTTCTGTCAAGTTGATGCT[C>T]ACAAGGCTACCAACAAATCTTCAGAAACACTTGCATTGTTGGAGATTCTAAAGCACATAG-3'
Protein context (NP_006260.1, residues 1141-1161): SMNSFCQVDA[His1151Tyr]KATNKSSETL